The following is an entry in ClinVar:

ClinVar aggregate classification (germline): Uncertain significance. Review status: criteria provided, multiple submitters, no conflicts (2 of 4 stars). 3 submissions from 3 submitters: Uncertain significance (2). 1 of the submissions does not count toward it. Last evaluated 2026-01-12.

Conditions:
Retinal dystrophy. Also called: Inherited retinal dystrophy. Identifiers: Orphanet 71862, MedGen C0854723, MeSH D058499, MONDO:0019118, HP:0000556.
Leber congenital amaurosis 1 (LCA1). Also called: Congenital absence of the rods and cones; Leber's congenital tapetoretinal degeneration; Leber's congenital tapetoretinal dysplasia; RETINAL BLINDNESS, CONGENITAL; AMAUROSIS CONGENITA OF LEBER I. Identifiers: Orphanet 65, MedGen C2931258, MONDO:0008764, OMIM 204000.
Cone-rod dystrophy 6 (CORD6). Also called: Cone dystrophy progressive; RETINAL CONE DYSTROPHY 2. Identifiers: Orphanet 1872, MedGen C1866293, MONDO:0011143, OMIM 601777.

gnomAD v4.1: 15 of 1,479,548 alleles (0.001%); highest among the groups gnomAD compares: Middle Eastern, 0.023%; no homozygotes.

Submissions (3):

Labcorp Genetics (formerly Invitae), Labcorp
Classification: Uncertain significance for Leber congenital amaurosis 1; Cone-rod dystrophy 6. Last evaluated: 2026-01-12. Review status: criteria provided, single submitter. Criteria: Invitae Variant Classification Sherloc (09022015). Collection method: clinical testing. Allele origin: germline.
Comment: This sequence change replaces glutamic acid, which is acidic and polar, with lysine, which is basic and polar, at codon 97 of the GUCY2D protein (p.Glu97Lys). This variant is not present in population databases (gnomAD no frequency). This missense change has been observed in individual(s) with adult-onset cone dystrophy (PMID: 38091967). ClinVar contains an entry for this variant (Variation ID: 2928455). Invitae Evidence Modeling of protein sequence and biophysical properties (such as structural, functional, and spatial information, amino acid conservation, physicochemical variation, residue mobility, and thermodynamic stability) indicates that this missense variant is not expected to disrupt GUCY2D protein function with a negative predictive value of 80%. In summary, the available evidence is currently insufficient to determine the role of this variant in disease. Therefore, it has been classified as a Variant of Uncertain Significance.

Blueprint Genetics
Classification: Uncertain significance. Last evaluated: 2024-02-13. Review status: criteria provided, single submitter. Criteria: ACMG Guidelines, 2015. Collection method: clinical testing. Allele origin: germline.

Institute of Human Genetics, Univ. Regensburg, Univ. Regensburg
Classification: Likely benign for Retinal dystrophy. Last evaluated: 2021-01-01. Review status: no assertion criteria provided. Criteria: ACMG Guidelines, 2015. Collection method: clinical testing. Allele origin: germline. Affected: yes. Not counted in ClinVar's aggregate classification.

Literature cited by the submitters: PubMed 38091967 (cited by Labcorp Genetics (formerly Invitae), Labcorp).

NM_000180.4(GUCY2D):c.289G>A (p.Glu97Lys)

Gene: GUCY2D (guanylate cyclase 2D, retinal; plus strand). Cytogenetic location: 17p13.1.
Variant type: single nucleotide variant.
Coding change: c.289G>A on transcript NM_000180.4 (MANE Select); coding-DNA position 289, G replaced by A.
Protein change: p.Glu97Lys; replaces glutamic acid 97 with lysine.
Molecular consequence: missense variant.
Genome position (GRCh38, 1-based): chr17:8,003,336, G>A. VCF-style: chr17-8003336-G-A. GRCh37 (hg19) VCF-style: chr17-7906654-G-A.
Other names: short protein forms E97K.
Identifiers: ClinVar variation 2928455 (VCV002928455.5), dbSNP rs61749667, ClinGen allele CA397943122.
Genomic context (GRCh38, chr17:8,003,336, plus strand): 5'-GCCCGCCTGGCCGCCGCCCGCCTGAACCGCGACCCCGGCCTGGCAGGCGGTCCCCGCTTC[G>A]AGGTAGCGCTGCTGCCCGAGCCTTGCCGGACGCCGGGCTCGCTGGGGGCCGTGTCCTCCG-3'
Protein context (NP_000171.1, residues 87-107): DPGLAGGPRF[Glu97Lys]VALLPEPCRT